The following is an entry in ClinVar:

ClinVar aggregate classification (germline): Uncertain significance (1 of 4 stars; one submission).

Conditions:
Ataxia-telangiectasia syndrome (AT). Also called: LOUIS-BAR SYNDROME; Ataxia telangiectasia (A-T); Cerebello-oculocutaneous telangiectasia; Immunodeficiency with ataxia telangiectasia; ATAXIA-TELANGIECTASIA, COMPLEMENTATION GROUP A; ATAXIA-TELANGIECTASIA, FRESNO VARIANT. Identifiers: Orphanet 100, MedGen C0004135, MONDO:0008840, OMIM 208900.

Submission:

Labcorp Genetics (formerly Invitae), Labcorp
Classification: Uncertain significance for Ataxia-telangiectasia syndrome. Last evaluated: 2025-10-07. Review status: criteria provided, single submitter. Criteria: Invitae Variant Classification Sherloc (09022015). Collection method: clinical testing. Allele origin: germline.
Comment: This sequence change replaces glutamine, which is neutral and polar, with arginine, which is basic and polar, at codon 355 of the ATM protein (p.Gln355Arg). This variant is not present in population databases (gnomAD no frequency). This variant has not been reported in the literature in individuals affected with ATM-related conditions. ClinVar contains an entry for this variant (Variation ID: 953430). An algorithm developed to predict the effect of missense changes on protein structure and function (PolyPhen-2) suggests that this variant is likely to be disruptive. Algorithms developed to predict the effect of sequence changes on RNA splicing suggest that this variant may disrupt the consensus splice site. In summary, the available evidence is currently insufficient to determine the role of this variant in disease. Therefore, it has been classified as a Variant of Uncertain Significance.

NM_000051.4(ATM):c.1064A>G (p.Gln355Arg)

Gene: ATM (ATM serine/threonine kinase; plus strand). Cytogenetic location: 11q22.3.
Variant type: single nucleotide variant.
Coding change: c.1064A>G on transcript NM_000051.4 (MANE Select); coding-DNA position 1064, A replaced by G.
Protein change: p.Gln355Arg; replaces glutamine 355 with arginine.
Molecular consequence: missense variant.
Genome position (GRCh38, 1-based): chr11:108,247,126, A>G. VCF-style: chr11-108247126-A-G. GRCh37 (hg19) VCF-style: chr11-108117853-A-G.
Other names: c.1064A>G, p.Gln355Arg (NM_001351834.2); short protein forms Q355R.
Identifiers: ClinVar variation 953430 (VCV000953430.9), dbSNP rs2079892563, ClinGen allele CA382531855.